The following is an entry in ClinVar:

NM_002397.5(MEF2C):c.137T>A (p.Ile46Asn)

Gene: MEF2C (myocyte enhancer factor 2C; minus strand). Cytogenetic location: 5q14.3.
Variant type: single nucleotide variant.
Coding change: c.137T>A on transcript NM_002397.5 (MANE Select); coding-DNA position 137, T replaced by A.
Protein change: p.Ile46Asn; replaces isoleucine 46 with asparagine.
Molecular consequence: missense variant.
Genome position (GRCh38, 1-based): chr5:88,804,719, A>T on the plus strand (T>A on the coding strand, the complement: MEF2C is on the minus strand). VCF-style: chr5-88804719-A-T. GRCh37 (hg19) VCF-style: chr5-88100536-A-T.
Other names: c.137T>A, p.Ile46Asn (NM_001131005.2, NM_001193347.1, NM_001193348.1 and 29 more transcripts); short protein forms I46N.
Identifiers: ClinVar variation 935331 (VCV000935331.12), dbSNP rs1799660837, ClinGen allele CA360425042.

ClinVar aggregate classification (germline): Conflicting classifications of pathogenicity. Review status: criteria provided, conflicting classifications (1 of 4 stars). 2 submissions from 2 submitters: Likely pathogenic (1); Uncertain significance (1). Last evaluated 2022-01-14.

Conditions:
Neurodevelopmental disorder with hypotonia, stereotypic hand movements, and impaired language. Also called: Intellectual disability, autosomal dominant 20. Identifiers: Orphanet 228384, Orphanet 664410, MedGen C3150700, MONDO:0013266, OMIM 613443.

Submissions (2):

Labcorp Genetics (formerly Invitae), Labcorp
Classification: Uncertain significance for Neurodevelopmental disorder with hypotonia, stereotypic hand movements, and impaired language. Last evaluated: 2022-01-14. Review status: criteria provided, single submitter. Criteria: Invitae Variant Classification Sherloc (09022015). Collection method: clinical testing. Allele origin: germline.
Comment: In summary, the available evidence is currently insufficient to determine the role of this variant in disease. Therefore, it has been classified as a Variant of Uncertain Significance. Algorithms developed to predict the effect of missense changes on protein structure and function are either unavailable or do not agree on the potential impact of this missense change (SIFT: "Deleterious"; PolyPhen-2: "Probably Damaging"; Align-GVGD: "Class C0"). ClinVar contains an entry for this variant (Variation ID: 935331). This variant has not been reported in the literature in individuals affected with MEF2C-related conditions. This variant is not present in population databases (gnomAD no frequency). This sequence change replaces isoleucine, which is neutral and non-polar, with asparagine, which is neutral and polar, at codon 46 of the MEF2C protein (p.Ile46Asn).

Baylor Genetics
Classification: Likely pathogenic for Neurodevelopmental disorder with hypotonia, stereotypic hand movements, and impaired language. Last evaluated: 2018-01-13. Review status: criteria provided, single submitter. Criteria: ACMG Guidelines, 2015. Collection method: clinical testing. Allele origin: maternal. Affected: yes.
Comment: This variant was determined to be likely pathogenic according to ACMG Guidelines, 2015 [PMID:25741868].